The following is an entry in ClinVar:

NM_003597.5(KLF11):c.782C>T (p.Pro261Leu)

Gene: KLF11 (KLF transcription factor 11; plus strand). Cytogenetic location: 2p25.1.
Variant type: single nucleotide variant.
Coding change: c.782C>T on transcript NM_003597.5 (MANE Select); coding-DNA position 782, C replaced by T.
Protein change: p.Pro261Leu; replaces proline 261 with leucine.
Molecular consequence: missense variant.
Genome position (GRCh38, 1-based): chr2:10,048,119, C>T. VCF-style: chr2-10048119-C-T. GRCh37 (hg19) VCF-style: chr2-10188246-C-T.
Other names: c.731C>T, p.Pro244Leu (NM_001177716.2, NM_001177718.2); short protein forms P261L, P244L.
Identifiers: ClinVar variation 330631 (VCV000330631.48), dbSNP rs148123124, ClinGen allele CA1525601.

ClinVar aggregate classification (germline): Benign/Likely benign. Review status: criteria provided, multiple submitters, no conflicts (2 of 4 stars). 7 submissions from 7 submitters: Benign (1); Likely benign (6). Last evaluated 2026-09-01.

Conditions:
Maturity-onset diabetes of the young type 7 (MODY7). Identifiers: Orphanet 552, MedGen C1864839, MONDO:0012513, OMIM 610508.
Monogenic diabetes. Identifiers: Orphanet 183625, MedGen C3888631, MONDO:0015967.

Allele frequency attached by ClinVar (database versions not stated): 1000 Genomes Project 0.00040; 1000 Genomes Project 30x 0.00047; TOPMed 0.00108; ESP Exome Variant Server 0.00123; gnomAD 0.00166 and 0.00170; gnomAD exomes 0.00218 and 0.00249; ExAC 0.00317.
gnomAD v4.1: 3,394 of 1,614,198 alleles (0.21%); highest among the groups gnomAD compares: South Asian, 0.29%; 16 homozygotes.

Submissions (7):

CeGaT Center for Human Genetics Tuebingen
Classification: Likely benign. Last evaluated: 2026-09-01. Review status: criteria provided, single submitter. Criteria: CeGaT Center For Human Genetics Tuebingen Variant Classification Criteria Version 2. Collection method: clinical testing. Allele origin: germline. Affected: yes. Observed: 8 variant alleles.
Comment: KLF11: BP4, BS2

Labcorp Genetics (formerly Invitae), Labcorp
Classification: Likely benign. Last evaluated: 2026-01-19. Review status: criteria provided, single submitter. Criteria: Invitae Variant Classification Sherloc (09022015). Collection method: clinical testing. Allele origin: germline.

Blueprint Genetics
Classification: Likely benign. Last evaluated: 2024-11-21. Review status: criteria provided, single submitter. Criteria: ACMG Guidelines, 2015. Collection method: clinical testing. Allele origin: germline.

Illumina Laboratory Services, Illumina
Classification: Benign for Maturity-onset diabetes of the young type 7. Last evaluated: 2018-01-13. Review status: criteria provided, single submitter. Criteria: ICSL Variant Classification Criteria 13 December 2019. Collection method: clinical testing. Allele origin: germline.
Comment: This variant was observed in the ICSL laboratory as part of a predisposition screen in an ostensibly healthy population. It had not been previously curated by ICSL or reported in the Human Gene Mutation Database (HGMD: prior to June 1st, 2018), and was therefore a candidate for classification through an automated scoring system. Utilizing variant allele frequency, disease prevalence and penetrance estimates, and inheritance mode, an automated score was calculated to assess if this variant is too frequent to cause the disease. Based on the score and internal cut-off values, a variant classified as benign is not then subjected to further curation. The score for this variant resulted in a classification of benign for this disease.

Personalized Diabetes Medicine Program, University of Maryland School of Medicine
Classification: Likely benign for Monogenic diabetes. Last evaluated: 2017-02-17. Review status: criteria provided, single submitter. Criteria: ACMG Guidelines, 2015. Collection method: research. Allele origin: unknown. Observed: 1 variant allele, 1 heterozygote. Study: Personalized Diabetes Medicine Program.
Comment: ACMG Criteria:PP3 (5 predictors), BP4 (5 predictors), BS2 (27 cases and 37 controls in an online resource)

Genetic Services Laboratory, University of Chicago
Classification: Likely benign. Last evaluated: 2016-02-25. Review status: criteria provided, single submitter. Criteria: ACMG Guidelines, 2015. Collection method: clinical testing. Allele origin: germline. Affected: no.

Breakthrough Genomics
Classification: Likely benign. Review status: criteria provided, single submitter. Criteria: ACMG Guidelines, 2015. Collection method: not provided. Allele origin: germline. Inheritance: Unknown mechanism. Affected: yes.